The following is an entry in ClinVar:

NM_014915.3(ANKRD26):c.4136A>G (p.Asn1379Ser)

Gene: ANKRD26 (ankyrin repeat domain 26; minus strand). Cytogenetic location: 10p12.1.
Variant type: single nucleotide variant.
Coding change: c.4136A>G on transcript NM_014915.3 (MANE Select); coding-DNA position 4136, A replaced by G.
Protein change: p.Asn1379Ser; replaces asparagine 1379 with serine.
Molecular consequence: missense variant.
Genome position (GRCh38, 1-based): chr10:27,022,637, T>C on the plus strand (A>G on the coding strand, the complement: ANKRD26 is on the minus strand). VCF-style: chr10-27022637-T-C. GRCh37 (hg19) VCF-style: chr10-27311566-T-C.
Other names: c.4133A>G, p.Asn1378Ser (NM_001256053.2); short protein forms N1378S, N1379S.
Identifiers: ClinVar variation 3707649 (VCV003707649.3).

ClinVar aggregate classification (germline): Uncertain significance. Review status: criteria provided, multiple submitters, no conflicts (2 of 4 stars). 2 submissions from 2 submitters: Uncertain significance (2). Last evaluated 2025-04-27.

Conditions:
Inborn genetic diseases. Identifiers: MedGen C0950123, MeSH D030342.

Submissions (2):

Labcorp Genetics (formerly Invitae), Labcorp
Classification: Uncertain significance. Last evaluated: 2025-04-27. Review status: criteria provided, single submitter. Criteria: Invitae Variant Classification Sherloc (09022015). Collection method: clinical testing. Allele origin: germline.
Comment: This sequence change replaces asparagine, which is neutral and polar, with serine, which is neutral and polar, at codon 1379 of the ANKRD26 protein (p.Asn1379Ser). This variant is not present in population databases (gnomAD no frequency). This variant has not been reported in the literature in individuals affected with ANKRD26-related conditions. ClinVar contains an entry for this variant (Variation ID: 3707649). An algorithm developed to predict the effect of missense changes on protein structure and function outputs the following: PolyPhen-2: "Benign". The serine amino acid residue is found in multiple mammalian species, which suggests that this missense change does not adversely affect protein function. In summary, the available evidence is currently insufficient to determine the role of this variant in disease. Therefore, it has been classified as a Variant of Uncertain Significance.

Ambry Genetics
Classification: Uncertain significance for Inborn genetic diseases. Last evaluated: 2025-03-08. Review status: criteria provided, single submitter. Criteria: Ambry Variant Classification Scheme 2023. Collection method: clinical testing. Allele origin: germline.
Comment: The p.N1379S variant (also known as c.4136A>G), located in coding exon 29 of the ANKRD26 gene, results from an A to G substitution at nucleotide position 4136. The asparagine at codon 1379 is replaced by serine, an amino acid with highly similar properties. This amino acid position is conserved. In addition, this alteration is predicted to be tolerated by in silico analysis. Based on the available evidence, the clinical significance of this variant remains unclear.